The following is an entry in ClinVar:

ClinVar aggregate classification (germline): Uncertain significance (1 of 4 stars; one submission).

Conditions:
Early Myoclonic Encephalopathy. Identifiers: MedGen C0270855.

Allele frequency attached by ClinVar (database versions not stated): gnomAD exomes below 0.00001; TOPMed 0.00001.
gnomAD v4.1: 1 of 1,613,832 alleles (0.000062%); highest among the groups gnomAD compares: African/African-American, 0.0013%; no homozygotes.

Submission:

Labcorp Genetics (formerly Invitae), Labcorp
Classification: Uncertain significance for Early Myoclonic Encephalopathy. Last evaluated: 2022-03-23. Review status: criteria provided, single submitter. Criteria: Invitae Variant Classification Sherloc (09022015). Collection method: clinical testing. Allele origin: germline.
Comment: In summary, the available evidence is currently insufficient to determine the role of this variant in disease. Therefore, it has been classified as a Variant of Uncertain Significance. Algorithms developed to predict the effect of missense changes on protein structure and function output the following: SIFT: "Tolerated"; PolyPhen-2: "Benign"; Align-GVGD: "Class C0". The alanine amino acid residue is found in multiple mammalian species, which suggests that this missense change does not adversely affect protein function. ClinVar contains an entry for this variant (Variation ID: 1040221). This variant has not been reported in the literature in individuals affected with JMJD1C-related conditions. This variant is not present in population databases (gnomAD no frequency). This sequence change replaces threonine, which is neutral and polar, with alanine, which is neutral and non-polar, at codon 1463 of the JMJD1C protein (p.Thr1463Ala).

NM_032776.3(JMJD1C):c.4387A>G (p.Thr1463Ala)

Gene: JMJD1C (jumonji domain containing 1C; minus strand). Cytogenetic location: 10q21.3.
Variant type: single nucleotide variant.
Coding change: c.4387A>G on transcript NM_032776.3 (MANE Select); coding-DNA position 4387, A replaced by G.
Protein change: p.Thr1463Ala; replaces threonine 1463 with alanine.
Molecular consequence: missense variant. On other transcripts: non-coding transcript variant (1).
Genome position (GRCh38, 1-based): chr10:63,207,282, T>C on the plus strand (A>G on the coding strand, the complement: JMJD1C is on the minus strand). VCF-style: chr10-63207282-T-C. GRCh37 (hg19) VCF-style: chr10-64967042-T-C.
Other names: c.3841A>G, p.Thr1281Ala (NM_001282948.2, NM_001318154.2); c.3523A>G, p.Thr1175Ala (NM_001318153.2); c.4273A>G, p.Thr1425Ala (NM_001322252.2); c.3730A>G, p.Thr1244Ala (NM_001322254.2, NM_001322258.2); short protein forms T1175A, T1244A, T1463A, T1281A, T1425A.
Identifiers: ClinVar variation 1040221 (VCV001040221.8), dbSNP rs1846743129, ClinGen allele CA377037714.